The following is an entry in ClinVar:

NM_033109.5(PNPT1):c.1818T>G (p.Val606=)

Gene: PNPT1 (polyribonucleotide nucleotidyltransferase 1; minus strand). Cytogenetic location: 2p16.1.
Variant type: single nucleotide variant.
Coding change: c.1818T>G on transcript NM_033109.5 (MANE Select); coding-DNA position 1818, T replaced by G.
Protein change: p.Val606=; no amino-acid change (valine 606 retained).
Molecular consequence: synonymous variant.
Genome position (GRCh38, 1-based): chr2:55,645,353, A>C on the plus strand (T>G on the coding strand, the complement: PNPT1 is on the minus strand). VCF-style: chr2-55645353-A-C. GRCh37 (hg19) VCF-style: chr2-55872488-A-C.
Identifiers: ClinVar variation 869396 (VCV000869396.8), dbSNP rs1049082567, ClinGen allele CA47651062.
Genomic context (GRCh38, chr2:55,645,353, plus strand): 5'-GGATTACAGGCGTGAGCCACCGCGCCCAGCCGATCACTAAAATTTTAATGTATTACCTAC[A>C]ACAGGTCCATTTTCTTTTCTAGATGCTCGAGGTTTTGAAATAGTTTTGTTCATGATCTGT-3'
Protein context (NP_149100.2, residues 596-616): PRASRKENGP[Val606=]VETVQVPLSK

ClinVar aggregate classification (germline): Pathogenic. Review status: criteria provided, multiple submitters, no conflicts (2 of 4 stars). 4 submissions from 4 submitters: Pathogenic (4). Last evaluated 2026-04-02.

Conditions:
Combined oxidative phosphorylation defect type 13. Also called: Combined oxidative phosphorylation deficiency 13. Identifiers: Orphanet 319514, MedGen C4706283, MONDO:0013977, OMIM 614932.
Autosomal recessive nonsyndromic hearing loss 70. Also called: Deafness, autosomal recessive 70. Identifiers: Orphanet 90636, MedGen C1824925, MONDO:0013978, OMIM 614934.

Allele frequency attached by ClinVar (database versions not stated): TOPMed 0.00001.
gnomAD v4.1: 3 of 1,603,954 alleles (0.00019%); highest among the groups gnomAD compares: Non-Finnish European, 0.00026%; no homozygotes.

Submissions (4):

GeneDx
Classification: Pathogenic. Last evaluated: 2026-04-02. Review status: criteria provided, single submitter. Criteria: GeneDx Variant Classification Process June 2021. Collection method: clinical testing. Allele origin: germline.
Comment: Non-canonical splice site variant demonstrated to result in loss of function (PMID: 31752325); Not observed at significant frequency in large population cohorts (gnomAD); This variant is associated with the following publications: (PMID: 30244537, 28594066, 32313153, 31752325)

Labcorp Genetics (formerly Invitae), Labcorp
Classification: Pathogenic. Last evaluated: 2023-05-15. Review status: criteria provided, single submitter. Criteria: Invitae Variant Classification Sherloc (09022015). Collection method: clinical testing. Allele origin: germline.
Comment: For these reasons, this variant has been classified as Pathogenic. Studies have shown that this variant is associated with altered splicing resulting in unknown protein product impact (PMID: 31752325). Studies have shown that this variant alters PNPT1 gene expression (PMID: 31752325). ClinVar contains an entry for this variant (Variation ID: 869396). This variant has been observed in individual(s) with clinical features of PNPT1-related conditions (PMID: 31752325, 32313153). In at least one individual the data is consistent with being in trans (on the opposite chromosome) from a pathogenic variant. This variant is not present in population databases (gnomAD no frequency). This sequence change affects codon 606 of the PNPT1 mRNA. It is a 'silent' change, meaning that it does not change the encoded amino acid sequence of the PNPT1 protein.

Victorian Clinical Genetics Services, Murdoch Childrens Research Institute
Classification: Pathogenic for Combined oxidative phosphorylation defect type 13. Last evaluated: 2020-05-21. Review status: criteria provided, single submitter. Criteria: ACMG Guidelines, 2015. Collection method: clinical testing. Allele origin: germline. Inheritance: Autosomal recessive inheritance.
Comment: Based on the classification scheme VCGS_Germline_v1.1.1, this variant is classified as pathogenic. Following criteria are met: 0102 - Loss-of-function is a mechanism of disease for this gene. (N) 0106 - This gene is known to be associated with autosomal recessive disease. (N) 0201 - Variant is predicted to cause nonsense-mediated decay (NMD) and loss of protein. cDNA studies performed on cultured fibroblast from this patient confirmed aberrant splicing resulting in a frameshift and premature termination codon, p.(Val607Lysfs*21) (PMID: 31752325) (P) 0210 – Synonymous variant proven to affect splicing/expression of the transcript with a known effect on protein structure. RNA studies have shown that this variant causes aberrant splicing (PMID: 31752325) (N) 0251 - Variant is heterozygous. (N) 0301 - Variant is absent from gnomAD. (P) 0702 - Comparable variants have strong previous evidence for pathogenicity. Other NMD predicted variants have previously been reported in patients with PNPT1-related disorders (ClinVar, PMID: 28594066; 30244537) (P) 0807 - Variant has not previously been reported in another individual, however, it has been reported in this patient (PMID: 31752325). (N) 0905 - No segregation evidence has been identified for this variant. (N) 1001 - Strong functional evidence support abnormal protein function. Legend: (P) - Pathogenic, (N) - Neutral, (B) - Benign

Kids Research, The Children's Hospital at Westmead
Classification: Pathogenic for Combined oxidative phosphorylation defect type 13; Autosomal recessive nonsyndromic hearing loss 70. Review status: criteria provided, single submitter. Criteria: ACMG Guidelines, 2015. Collection method: research. Allele origin: inherited. Inheritance: Autosomal recessive inheritance. Affected: yes.

Literature cited by the submitters: PubMed 31752325 (cited by Labcorp Genetics (formerly Invitae), Labcorp and Victorian Clinical Genetics Services, Murdoch Childrens Research Institute); PubMed 32313153 (cited by Labcorp Genetics (formerly Invitae), Labcorp and Kids Research, The Children's Hospital at Westmead); PubMed 28594066 (cited by Victorian Clinical Genetics Services, Murdoch Childrens Research Institute); PubMed 30244537 (cited by Victorian Clinical Genetics Services, Murdoch Childrens Research Institute).